The following is an entry in ClinVar:

ClinVar aggregate classification (germline): Uncertain significance (1 of 4 stars; one submission).

Conditions:
Inborn genetic diseases. Identifiers: MedGen C0950123, MeSH D030342.

Submission:

Ambry Genetics
Classification: Uncertain significance for Inborn genetic diseases. Last evaluated: 2025-07-28. Review status: criteria provided, single submitter. Criteria: Ambry Variant Classification Scheme 2023. Collection method: clinical testing. Allele origin: germline.
Comment: The p.E870Q variant (also known as c.2608G>C), located in coding exon 27 of the RTEL1 gene, results from a G to C substitution at nucleotide position 2608. The glutamic acid at codon 870 is replaced by glutamine, an amino acid with highly similar properties. This amino acid position is conserved. In addition, this alteration is predicted to be tolerated by in silico analysis. Based on the available evidence, the clinical significance of this variant remains unclear.

NM_001283009.2(RTEL1):c.2608G>C (p.Glu870Gln)

Genes: RTEL1 (regulator of telomere elongation helicase 1; plus strand), RTEL1-TNFRSF6B (RTEL1-TNFRSF6B readthrough (NMD candidate); plus strand). Cytogenetic location: 20q13.33.
Variant type: single nucleotide variant.
Coding change: c.2608G>C on transcript NM_001283009.2 (MANE Select); coding-DNA position 2608, G replaced by C.
Protein change: p.Glu870Gln; replaces glutamic acid 870 with glutamine.
Molecular consequence: missense variant. On other transcripts: non-coding transcript variant (1).
Genome position (GRCh38, 1-based): chr20:63,691,793, G>C. VCF-style: chr20-63691793-G-C. GRCh37 (hg19) VCF-style: chr20-62323146-G-C.
Other names: c.1939G>C, p.Glu647Gln (NM_001283010.1); c.2608G>C, p.Glu870Gln (NM_016434.4); c.2680G>C, p.Glu894Gln (NM_032957.5); short protein forms E870Q, E894Q, E647Q.
Identifiers: ClinVar variation 4157621 (VCV004157621.1).